The following is an entry in ClinVar:

NM_001353345.2(SETD1B):c.*5C>T

Gene: SETD1B (SET domain containing 1B, histone lysine methyltransferase; plus strand). Cytogenetic location: 12q24.31.
Variant type: single nucleotide variant.
Coding change: c.*5C>T on transcript NM_001353345.2 (MANE Select); 5 bases downstream of the stop codon, C replaced by T.
Molecular consequence: 3 prime UTR variant.
Genome position (GRCh38, 1-based): chr12:121,830,244, C>T. VCF-style: chr12-121830244-C-T. GRCh37 (hg19) VCF-style: chr12-122268150-C-T.
Other names: NM_015048.1:c.*5C>T.
Identifiers: ClinVar variation 3038298 (VCV003038298.2), dbSNP rs74482265, ClinGen allele CA6839371.
Genomic context (GRCh38, chr12:121,830,244, plus strand): 5'-ACGTCAAGATCCCCTGCCTCTGTGGCTCCGAGAACTGCCGGGGGACCCTCAACTAGGCCC[C>T]GGCACCAGACTCAAAGGATGTCAGCCGTAGCCCTGGGACTCCCGAGCGTGGAGCCCCTGG-3'

ClinVar aggregate classification (germline): Benign (0 of 4 stars; one submission).

Conditions:
SETD1B-related disorder. Also called: SETD1B-related condition.

Allele frequency attached by ClinVar (database versions not stated): ExAC 0.00472; gnomAD 0.01128; 1000 Genomes Project 0.01318; TOPMed 0.01338; 1000 Genomes Project 30x 0.01343.
gnomAD v4.1: 3,345 of 1,548,830 alleles (0.22%); highest among the groups gnomAD compares: African/African-American, 4%; 52 homozygotes.

Submission:

PreventionGenetics, part of Exact Sciences
Classification: Benign for SETD1B-related condition. Last evaluated: 2024-01-18. Review status: no assertion criteria provided. Collection method: clinical testing. Allele origin: germline.
Comment: This variant is classified as benign based on ACMG/AMP sequence variant interpretation guidelines (Richards et al. 2015 PMID: 25741868, with internal and published modifications).